The following is an entry in ClinVar:

NM_021954.4(GJA3):c.261G>A (p.Thr87=)

Gene: GJA3 (gap junction protein alpha 3; minus strand). Cytogenetic location: 13q12.11.
Variant type: single nucleotide variant.
Coding change: c.261G>A on transcript NM_021954.4 (MANE Select); coding-DNA position 261, G replaced by A.
Protein change: p.Thr87=; no amino-acid change (threonine 87 retained).
Molecular consequence: synonymous variant.
Genome position (GRCh38, 1-based): chr13:20,143,028, C>T on the plus strand (G>A on the coding strand, the complement: GJA3 is on the minus strand). VCF-style: chr13-20143028-C-T. GRCh37 (hg19) VCF-style: chr13-20717167-C-T.
Identifiers: ClinVar variation 880848 (VCV000880848.5), dbSNP rs368890350, ClinGen allele CA6904152.

ClinVar aggregate classification (germline): Benign/Likely benign. Review status: criteria provided, multiple submitters, no conflicts (2 of 4 stars). 2 submissions from 2 submitters: Benign (1); Likely benign (1). Last evaluated 2024-11-01.

Conditions:
Cataract 14 multiple types. Also called: CATARACT 14, ZONULAR PULVERULENT; CATARACT 14, NUCLEAR PULVERULENT; CATARACT 14, NUCLEAR PULVERULENT AND POSTERIOR POLAR; CATARACT 14, NUCLEAR CORALLIFORM; CATARACT 14, EMBRYONAL NUCLEAR; CATARACT 14, COPPOCK-LIKE. Identifiers: Orphanet 91492, MedGen C1866078, MONDO:0011162, OMIM 601885.

Allele frequency attached by ClinVar (database versions not stated): ESP Exome Variant Server 0.00015; gnomAD exomes 0.00021 and 0.00032; gnomAD 0.00027 and 0.00031; TOPMed 0.00035; ExAC 0.00039.
gnomAD v4.1: 358 of 1,612,054 alleles (0.022%); highest among the groups gnomAD compares: Admixed American, 0.1%; no homozygotes.

Submissions (2):

Blueprint Genetics
Classification: Likely benign. Last evaluated: 2024-11-01. Review status: criteria provided, single submitter. Criteria: ACMG Guidelines, 2015. Collection method: clinical testing. Allele origin: germline.

Illumina Laboratory Services, Illumina
Classification: Benign for Cataract 14 multiple types. Last evaluated: 2018-01-12. Review status: criteria provided, single submitter. Criteria: ICSL Variant Classification Criteria 13 December 2019. Collection method: clinical testing. Allele origin: germline.
Comment: This variant was observed in the ICSL laboratory as part of a predisposition screen in an ostensibly healthy population. It had not been previously curated by ICSL or reported in the Human Gene Mutation Database (HGMD: prior to June 1st, 2018), and was therefore a candidate for classification through an automated scoring system. Utilizing variant allele frequency, disease prevalence and penetrance estimates, and inheritance mode, an automated score was calculated to assess if this variant is too frequent to cause the disease. Based on the score and internal cut-off values, a variant classified as benign is not then subjected to further curation. The score for this variant resulted in a classification of benign for this disease.